The following is an entry in ClinVar:

NM_018946.4(NANS):c.51C>A (p.His17Gln)

Genes: NANS (N-acetylneuraminate synthase; plus strand), TRIM14 (tripartite motif containing 14; minus strand). Cytogenetic location: 9q22.33.
Variant type: single nucleotide variant.
Coding change: c.51C>A on transcript NM_018946.4 (MANE Select); coding-DNA position 51, C replaced by A.
Protein change: p.His17Gln; replaces histidine 17 with glutamine.
Molecular consequence: missense variant.
Genome position (GRCh38, 1-based): chr9:98,056,859, C>A. VCF-style: chr9-98056859-C-A. GRCh37 (hg19) VCF-style: chr9-100819141-C-A.
Other names: short protein forms H17Q.
Identifiers: ClinVar variation 4763555 (VCV004763555.1).
Genomic context (GRCh38, chr9:98,056,859, plus strand): 5'-AGCCGCTGCAATGCCGCTGGAGCTGGAGCTGTGTCCCGGGCGCTGGGTGGGCGGGCAACA[C>A]CCGTGCTTCATCATTGCCGAGATCGGCCAGAACCACCAGGGCGACCTGGACGTAGCCAAG-3'
Protein context (NP_061819.2, residues 7-27): LCPGRWVGGQ[His17Gln]PCFIIAEIGQ

ClinVar aggregate classification (germline): Uncertain significance (1 of 4 stars; one submission).

gnomAD v4.1: 1 of 1,612,246 alleles (0.000062%); highest among the groups gnomAD compares: African/African-American, 0.0013%; no homozygotes.

Submission:

Labcorp Genetics (formerly Invitae), Labcorp
Classification: Uncertain significance. Last evaluated: 2025-10-23. Review status: criteria provided, single submitter. Criteria: Invitae Variant Classification Sherloc (09022015). Collection method: clinical testing. Allele origin: germline.
Comment: This sequence change replaces histidine, which is basic and polar, with glutamine, which is neutral and polar, at codon 17 of the NANS protein (p.His17Gln). This variant is not present in population databases (gnomAD no frequency). This variant has not been reported in the literature in individuals affected with NANS-related conditions. An algorithm developed to predict the effect of missense changes on protein structure and function (PolyPhen-2) suggests that this variant is likely to be tolerated. In summary, the available evidence is currently insufficient to determine the role of this variant in disease. Therefore, it has been classified as a Variant of Uncertain Significance.